The following is an entry in ClinVar:

NM_000255.4(MMUT):c.1324G>C (p.Ala442Pro)

Gene: MMUT (methylmalonyl-CoA mutase; minus strand). Cytogenetic location: 6p12.3.
Variant type: single nucleotide variant.
Coding change: c.1324G>C on transcript NM_000255.4 (MANE Select); coding-DNA position 1324, G replaced by C.
Protein change: p.Ala442Pro; replaces alanine 442 with proline.
Molecular consequence: missense variant.
Genome position (GRCh38, 1-based): chr6:49,451,474, C>G on the plus strand (G>C on the coding strand, the complement: MMUT is on the minus strand). VCF-style: chr6-49451474-C-G. GRCh37 (hg19) VCF-style: chr6-49419187-C-G.
Other names: short protein forms A442P.
Identifiers: ClinVar variation 203848 (VCV000203848.10), dbSNP rs1554159871, ClinGen allele CA312766.

ClinVar aggregate classification (germline): Likely pathogenic (1 of 4 stars; one submission).

Submission:

Labcorp Genetics (formerly Invitae), Labcorp
Classification: Likely pathogenic. Last evaluated: 2023-01-20. Review status: criteria provided, single submitter. Criteria: Invitae Variant Classification Sherloc (09022015). Collection method: clinical testing. Allele origin: germline.
Comment: This sequence change replaces alanine, which is neutral and non-polar, with proline, which is neutral and non-polar, at codon 442 of the MUT protein (p.Ala442Pro). This variant is not present in population databases (gnomAD no frequency). This missense change has been observed in individual(s) with methylmalonic aciduria (Invitae). In at least one individual the data is consistent with being in trans (on the opposite chromosome) from a pathogenic variant. ClinVar contains an entry for this variant (Variation ID: 203848). Advanced modeling of protein sequence and biophysical properties (such as structural, functional, and spatial information, amino acid conservation, physicochemical variation, residue mobility, and thermodynamic stability) performed at Invitae indicates that this missense variant is expected to disrupt MUT protein function. In summary, the currently available evidence indicates that the variant is pathogenic, but additional data are needed to prove that conclusively. Therefore, this variant has been classified as Likely Pathogenic.